The following is an entry in ClinVar:

ClinVar aggregate classification (germline): Uncertain significance (1 of 4 stars; one submission).

Conditions:
Hypertrophic cardiomyopathy. Also called: HYPERTROPHIC MYOCARDIOPATHY. Identifiers: Orphanet 217569, MedGen C0007194, MeSH D002312, MONDO:0005045, HP:0001639.

Submission:

Labcorp Genetics (formerly Invitae), Labcorp
Classification: Uncertain significance for Hypertrophic cardiomyopathy. Last evaluated: 2022-09-27. Review status: criteria provided, single submitter. Criteria: Invitae Variant Classification Sherloc (09022015). Collection method: clinical testing. Allele origin: germline.
Comment: In summary, the available evidence is currently insufficient to determine the role of this variant in disease. Therefore, it has been classified as a Variant of Uncertain Significance. Algorithms developed to predict the effect of sequence changes on RNA splicing suggest that this variant may create or strengthen a splice site. Advanced modeling of protein sequence and biophysical properties (such as structural, functional, and spatial information, amino acid conservation, physicochemical variation, residue mobility, and thermodynamic stability) performed at Invitae indicates that this missense variant is expected to disrupt MYH7 protein function. This variant has not been reported in the literature in individuals affected with MYH7-related conditions. This variant is not present in population databases (gnomAD no frequency). This sequence change replaces glutamic acid, which is acidic and polar, with glycine, which is neutral and non-polar, at codon 409 of the MYH7 protein (p.Glu409Gly).

NM_000257.4(MYH7):c.1226A>G (p.Glu409Gly)

Gene: MYH7 (myosin heavy chain 7; minus strand). Cytogenetic location: 14q11.2.
Variant type: single nucleotide variant.
Coding change: c.1226A>G on transcript NM_000257.4 (MANE Select); coding-DNA position 1226, A replaced by G.
Protein change: p.Glu409Gly; replaces glutamic acid 409 with glycine.
Molecular consequence: missense variant.
Genome position (GRCh38, 1-based): chr14:23,429,260, T>C on the plus strand (A>G on the coding strand, the complement: MYH7 is on the minus strand). VCF-style: chr14-23429260-T-C. GRCh37 (hg19) VCF-style: chr14-23898469-T-C.
Other names: c.1226A>G, p.Glu409Gly (NM_001407004.1); short protein forms E409G.
Identifiers: ClinVar variation 1720477 (VCV001720477.5), dbSNP rs2502303124, ClinGen allele CA389051084.
Genomic context (GRCh38, chr14:23,429,260, plus strand): 5'-CACCCATTATCATCTGAAGATGGACCCACCTGCTGGACATTCTGCCCCTTGGTGACGTAC[T>C]CATTGCCCACTTTCACCCGAGGGTGGCACAGCCCCTTGAGCAGGTCGGCTGAGTTCAGCC-3'
Protein context (NP_000248.2, residues 399-419): LCHPRVKVGN[Glu409Gly]YVTKGQNVQQ